The following is an entry in ClinVar:

ClinVar aggregate classification (germline): Conflicting classifications of pathogenicity. Review status: criteria provided, conflicting classifications (1 of 4 stars). 3 submissions from 3 submitters: Uncertain significance (2); Likely benign (1). Last evaluated 2026-05-06.

Conditions:
Hereditary cancer-predisposing syndrome. Also called: Hereditary Cancer Syndrome; Neoplastic Syndromes, Hereditary; Tumor predisposition; Hereditary neoplastic syndrome. Identifiers: Orphanet 140162, MedGen C0027672, MeSH D009386, MONDO:0015356.
Hereditary diffuse gastric adenocarcinoma (HDGC). Also called: DIFFUSE GASTRIC AND LOBULAR BREAST CANCER SYNDROME. Identifiers: Orphanet 26106, MedGen C1708349, MONDO:0007648, OMIM 137215.

Submissions (3):

Ambry Genetics
Classification: Likely benign for Hereditary cancer-predisposing syndrome. Last evaluated: 2026-05-06. Review status: criteria provided, single submitter. Criteria: Ambry Variant Classification Scheme 2023. Collection method: clinical testing. Allele origin: germline.

Labcorp Genetics (formerly Invitae), Labcorp
Classification: Uncertain significance for Hereditary diffuse gastric adenocarcinoma. Last evaluated: 2025-12-23. Review status: criteria provided, single submitter. Criteria: Invitae Variant Classification Sherloc (09022015). Collection method: clinical testing. Allele origin: germline.
Comment: This sequence change replaces alanine, which is neutral and non-polar, with serine, which is neutral and polar, at codon 403 of the CDH1 protein (p.Ala403Ser). This variant is not present in population databases (gnomAD no frequency). This variant has not been reported in the literature in individuals affected with CDH1-related conditions. ClinVar contains an entry for this variant (Variation ID: 1001104). An algorithm developed to predict the effect of missense changes on protein structure and function (PolyPhen-2) suggests that this variant is likely to be tolerated. In summary, the available evidence is currently insufficient to determine the role of this variant in disease. Therefore, it has been classified as a Variant of Uncertain Significance.

Color Diagnostics, LLC DBA Color Health
Classification: Uncertain significance for Hereditary cancer-predisposing syndrome. Last evaluated: 2023-11-20. Review status: criteria provided, single submitter. Criteria: ACMG Guidelines, 2015. Collection method: clinical testing. Allele origin: germline.
Comment: This missense variant replaces alanine with serine at codon 403 of the CDH1 protein. To our knowledge, functional studies have not been reported for this variant. This variant has not been reported in individuals affected with CDH1-related disorders in the literature. This variant has not been identified in the general population by the Genome Aggregation Database (gnomAD). The available evidence is insufficient to determine the role of this variant in disease conclusively. Therefore, this variant is classified as a Variant of Uncertain Significance.

NM_004360.5(CDH1):c.1207G>T (p.Ala403Ser)

Gene: CDH1 (cadherin 1; plus strand). Cytogenetic location: 16q22.1.
Variant type: single nucleotide variant.
Coding change: c.1207G>T on transcript NM_004360.5 (MANE Select); coding-DNA position 1207, G replaced by T.
Protein change: p.Ala403Ser; replaces alanine 403 with serine.
Molecular consequence: missense variant. On other transcripts: 5 prime UTR variant (2), intron variant (1).
Genome position (GRCh38, 1-based): chr16:68,813,382, G>T. VCF-style: chr16-68813382-G-T. GRCh37 (hg19) VCF-style: chr16-68847285-G-T.
Other names: c.-409G>T (NM_001317185.2); c.-613G>T (NM_001317186.2); c.1137+1119G>T (NM_001317184.2); short protein forms A403S.
Identifiers: ClinVar variation 1001104 (VCV001001104.14), dbSNP rs1960893623, ClinGen allele CA396461303.
Genomic context (GRCh38, chr16:68,813,382, plus strand): 5'-CAGGTGCCTGAGAACGAGGCTAACGTCGTAATCACCACACTGAAAGTGACTGATGCTGAT[G>T]CCCCCAATACCCCAGCGTGGGAGGCTGTATACACCATATTGAATGATGATGGTGGACAAT-3'
Protein context (NP_004351.1, residues 393-413): ITTLKVTDAD[Ala403Ser]PNTPAWEAVY